The following is an entry in ClinVar:

ClinVar aggregate classification (germline): Uncertain significance (1 of 4 stars; one submission).

Conditions:
Developmental and epileptic encephalopathy, 36 (DEE36). Also called: Epileptic encephalopathy, early infantile, 36; Congenital disorder of glycosylation, type Is; ALG13-CDG. Identifiers: Orphanet 324422, MedGen C4317295, MONDO:0010472, OMIM 300884.

Submission:

Labcorp Genetics (formerly Invitae), Labcorp
Classification: Uncertain significance for Developmental and epileptic encephalopathy, 36. Last evaluated: 2022-10-16. Review status: criteria provided, single submitter. Criteria: Invitae Variant Classification Sherloc (09022015). Collection method: clinical testing. Allele origin: germline.
Comment: In summary, the available evidence is currently insufficient to determine the role of this variant in disease. Therefore, it has been classified as a Variant of Uncertain Significance. Advanced modeling of protein sequence and biophysical properties (such as structural, functional, and spatial information, amino acid conservation, physicochemical variation, residue mobility, and thermodynamic stability) performed at Invitae indicates that this missense variant is not expected to disrupt ALG13 protein function. This variant has not been reported in the literature in individuals affected with ALG13-related conditions. This variant is not present in population databases (gnomAD no frequency). This sequence change replaces aspartic acid, which is acidic and polar, with glutamic acid, which is acidic and polar, at codon 497 of the ALG13 protein (p.Asp497Glu).

NM_001099922.3(ALG13):c.1491C>A (p.Asp497Glu)

Gene: ALG13 (ALG13 UDP-N-acetylglucosaminyltransferase subunit; plus strand). Cytogenetic location: Xq23.
Variant type: single nucleotide variant.
Coding change: c.1491C>A on transcript NM_001099922.3 (MANE Select); coding-DNA position 1491, C replaced by A.
Protein change: p.Asp497Glu; replaces aspartic acid 497 with glutamic acid.
Molecular consequence: missense variant. On other transcripts: intron variant (1).
Genome position (GRCh38, 1-based): chrX:111,722,848, C>A. VCF-style: chrX-111722848-C-A. GRCh37 (hg19) VCF-style: chrX-110966076-C-A.
Other names: c.1179C>A, p.Asp393Glu (NM_001257230.2, NM_001257234.2, NM_001257237.2); c.1257C>A, p.Asp419Glu (NM_001257231.2); c.1491C>A, p.Asp497Glu (NM_001324292.2); c.1015-950C>A (NM_001324293.1); short protein forms D393E, D419E, D497E.
Identifiers: ClinVar variation 2808682 (VCV002808682.3), dbSNP rs2525841405, ClinGen allele CA414251823.